The following is an entry in ClinVar:

NM_005862.3(STAG1):c.133T>G (p.Ser45Ala)

Gene: STAG1 (STAG1 cohesin complex component; minus strand). Cytogenetic location: 3q22.3.
Variant type: single nucleotide variant.
Coding change: c.133T>G on transcript NM_005862.3 (MANE Select); coding-DNA position 133, T replaced by G.
Protein change: p.Ser45Ala; replaces serine 45 with alanine.
Molecular consequence: missense variant.
Genome position (GRCh38, 1-based): chr3:136,604,473, A>C on the plus strand (T>G on the coding strand, the complement: STAG1 is on the minus strand). VCF-style: chr3-136604473-A-C. GRCh37 (hg19) VCF-style: chr3-136323315-A-C.
Other names: c.133T>G (NM_005862.2); short protein forms S45A.
Identifiers: ClinVar variation 3895543 (VCV003895543.2).
Genomic context (GRCh38, chr3:136,604,473, plus strand): 5'-TAATTCCAGCTTCAATTCTGCTCTTCTCACCTGGAGATTTTCGAGGTTTCTTATTTGTAG[A>C]CTGAAAAAAAGATAAAAAAAGATTCCATTCGATTAGGTTTACTTTGCTTTATATAAAATG-3'
Protein context (NP_005853.2, residues 35-55): RKRGRPGRPP[Ser45Ala]TNKKPRKSPG

ClinVar aggregate classification (germline): Uncertain significance. Review status: criteria provided, multiple submitters, no conflicts (2 of 4 stars). 2 submissions from 2 submitters: Uncertain significance (2). Last evaluated 2025-10-23.

Conditions:
Inborn genetic diseases. Identifiers: MedGen C0950123, MeSH D030342.

Submissions (2):

Ambry Genetics
Classification: Uncertain significance for Inborn genetic diseases. Last evaluated: 2025-10-23. Review status: criteria provided, single submitter. Criteria: Ambry Variant Classification Scheme 2023. Collection method: clinical testing. Allele origin: germline.

Women's Health and Genetics/Laboratory Corporation of America, LabCorp
Classification: Uncertain significance. Last evaluated: 2025-03-18. Review status: criteria provided, single submitter. Criteria: LabCorp Variant Classification Summary - May 2015. Collection method: clinical testing. Allele origin: germline.
Comment: Variant summary: STAG1 c.133T>G (p.Ser45Ala) results in a conservative amino acid change in the encoded protein sequence in the first nucleotide of exon 4, adjacent to the intron 3/exon 4 splice acceptor site. Four of five in-silico tools predict a benign effect of the variant on protein function. Consensus agreement among computation tools predict no significant impact on normal splicing. However, these predictions have yet to be confirmed by functional studies. The variant allele was found at a frequency of 4.4e-06 in 229068 control chromosomes. The available data on variant occurrences in the general population are insufficient to allow any conclusion about variant significance. To our knowledge, no occurrence of c.133T>G in individuals affected with Mental Retardation, Autosomal Dominant 47 and no experimental evidence demonstrating its impact on protein function have been reported. No submitters have cited clinical-significance assessments for this variant to ClinVar. Based on the evidence outlined above, the variant was classified as uncertain significance.